The following is an entry in ClinVar:

NM_003737.4(DCHS1):c.2252G>T (p.Arg751Leu)

Gene: DCHS1 (dachsous cadherin-related 1; minus strand). Cytogenetic location: 11p15.4.
Variant type: single nucleotide variant.
Coding change: c.2252G>T on transcript NM_003737.4 (MANE Select); coding-DNA position 2252, G replaced by T.
Protein change: p.Arg751Leu; replaces arginine 751 with leucine.
Molecular consequence: missense variant.
Genome position (GRCh38, 1-based): chr11:6,633,615, C>A on the plus strand (G>T on the coding strand, the complement: DCHS1 is on the minus strand). VCF-style: chr11-6633615-C-A. GRCh37 (hg19) VCF-style: chr11-6654846-C-A.
Other names: c.2252G>T (NM_003737.2); short protein forms R751L.
Identifiers: ClinVar variation 3004336 (VCV003004336.4), dbSNP rs774036164, ClinGen allele CA379422772.

ClinVar aggregate classification (germline): Uncertain significance. Review status: criteria provided, multiple submitters, no conflicts (2 of 4 stars). 2 submissions from 2 submitters: Uncertain significance (2). Last evaluated 2025-10-22.

Conditions:
Inborn genetic diseases. Identifiers: MedGen C0950123, MeSH D030342.

gnomAD v4.1: 1 of 1,599,176 alleles (0.000063%); highest among the groups gnomAD compares: Non-Finnish European, 0.000085%; no homozygotes.

Submissions (2):

Ambry Genetics
Classification: Uncertain significance for Inborn genetic diseases. Last evaluated: 2025-10-22. Review status: criteria provided, single submitter. Criteria: Ambry Variant Classification Scheme 2023. Collection method: clinical testing. Allele origin: germline.

Labcorp Genetics (formerly Invitae), Labcorp
Classification: Uncertain significance. Last evaluated: 2023-08-19. Review status: criteria provided, single submitter. Criteria: Invitae Variant Classification Sherloc (09022015). Collection method: clinical testing. Allele origin: germline.
Comment: This variant has not been reported in the literature in individuals affected with DCHS1-related conditions. This variant is not present in population databases (gnomAD no frequency). This sequence change replaces arginine, which is basic and polar, with leucine, which is neutral and non-polar, at codon 751 of the DCHS1 protein (p.Arg751Leu). Advanced modeling of protein sequence and biophysical properties (such as structural, functional, and spatial information, amino acid conservation, physicochemical variation, residue mobility, and thermodynamic stability) performed at Invitae indicates that this missense variant is not expected to disrupt DCHS1 protein function. In summary, the available evidence is currently insufficient to determine the role of this variant in disease. Therefore, it has been classified as a Variant of Uncertain Significance.